The following is an entry in ClinVar:

ClinVar aggregate classification (germline): Uncertain significance (1 of 4 stars; one submission).

Conditions:
Cardiovascular phenotype. Identifiers: MedGen CN230736.
Hereditary cancer-predisposing syndrome. Also called: Neoplastic Syndromes, Hereditary; Tumor predisposition; Hereditary Cancer Syndrome; Hereditary neoplastic syndrome. Identifiers: Orphanet 140162, MedGen C0027672, MeSH D009386, MONDO:0015356.

Submission:

Ambry Genetics
Classification: Uncertain significance for Cardiovascular phenotype; Hereditary cancer-predisposing syndrome. Last evaluated: 2020-09-22. Review status: criteria provided, single submitter. Criteria: Ambry Variant Classification Scheme 2023. Collection method: clinical testing. Allele origin: germline.
Comment: The p.G2145V variant (also known as c.6434G>T), located in coding exon 42 of the NF1 gene, results from a G to T substitution at nucleotide position 6434. The glycine at codon 2145 is replaced by valine, an amino acid with dissimilar properties. This amino acid position is highly conserved in available vertebrate species. In addition, this alteration is predicted to be deleterious by in silico analysis. Since supporting evidence is limited at this time, the clinical significance of this alteration remains unclear.

NM_001042492.3(NF1):c.6497G>T (p.Gly2166Val)

Gene: NF1 (neurofibromin 1; plus strand). Cytogenetic location: 17q11.2.
Variant type: single nucleotide variant.
Coding change: c.6497G>T on transcript NM_001042492.3 (MANE Select); coding-DNA position 6497, G replaced by T.
Protein change: p.Gly2166Val; replaces glycine 2166 with valine.
Molecular consequence: missense variant.
Genome position (GRCh38, 1-based): chr17:31,337,437, G>T. VCF-style: chr17-31337437-G-T. GRCh37 (hg19) VCF-style: chr17-29664455-G-T.
Other names: c.6434G>T, p.Gly2145Val (NM_000267.4); short protein forms G2145V, G2166V.
Identifiers: ClinVar variation 1753510 (VCV001753510.2), dbSNP rs2151556178, ClinGen allele CA399013142.